The following is an entry in ClinVar:

ClinVar aggregate classification (germline): Uncertain significance. Review status: criteria provided, multiple submitters, no conflicts (2 of 4 stars). 4 submissions from 4 submitters: Uncertain significance (4). Last evaluated 2025-02-01.

Conditions:
Cardiovascular phenotype. Identifiers: MedGen CN230736.
Hypertrophic cardiomyopathy. Also called: HYPERTROPHIC MYOCARDIOPATHY. Identifiers: Orphanet 217569, MedGen C0007194, MeSH D002312, MONDO:0005045, HP:0001639.

Allele frequency attached by ClinVar (database versions not stated): ExAC 0.00002; gnomAD exomes 0.00001; TOPMed 0.00001.
gnomAD v4.1: 9 of 1,613,960 alleles (0.00056%); highest among the groups gnomAD compares: East Asian, 0.0045%; no homozygotes.

Submissions (4):

Ambry Genetics
Classification: Uncertain significance for Cardiovascular phenotype. Last evaluated: 2025-02-01. Review status: criteria provided, single submitter. Criteria: Ambry Variant Classification Scheme 2023. Collection method: clinical testing. Allele origin: germline.
Comment: The p.A262T variant (also known as c.784G>A), located in coding exon 9 of the TPM1 gene, results from a G to A substitution at nucleotide position 784. The alanine at codon 262 is replaced by threonine, an amino acid with similar properties. This amino acid position is conserved. In addition, the in silico prediction for this alteration is inconclusive. Based on the available evidence, the clinical significance of this variant remains unclear.

All of Us Research Program, National Institutes of Health
Classification: Uncertain significance for Hypertrophic cardiomyopathy. Last evaluated: 2023-04-10. Review status: criteria provided, single submitter. Criteria: ACMG Guidelines, 2015. Collection method: clinical testing. Allele origin: germline. Inheritance: Autosomal dominant inheritance. Observed: 1 variant allele, 1 heterozygote.
Comment: This missense variant replaces alanine with threonine at codon 262 of the TPM1 protein. Computational prediction suggests that this variant may not impact protein structure and function (internally defined REVEL score threshold <= 0.5, PMID: 27666373). To our knowledge, functional studies have not been reported for this variant. This variant has not been reported in individuals affected with TPM1-related disorders in the literature. This variant has been identified in 2/251052 chromosomes in the general population by the Genome Aggregation Database (gnomAD). The available evidence is insufficient to determine the role of this variant in disease conclusively. Therefore, this variant is classified as a Variant of Uncertain Significance.

This study involves interpretation of variants in research participants for the purpose of population health screening. Participant phenotype was not available at the time of variant classification. Additional details can be found in publication PMID: 35346344, PMCID: PMC8962531

Labcorp Genetics (formerly Invitae), Labcorp
Classification: Uncertain significance for Hypertrophic cardiomyopathy. Last evaluated: 2023-01-29. Review status: criteria provided, single submitter. Criteria: Invitae Variant Classification Sherloc (09022015). Collection method: clinical testing. Allele origin: germline.
Comment: This variant is present in population databases (rs758506771, gnomAD 0.01%). This sequence change replaces alanine, which is neutral and non-polar, with threonine, which is neutral and polar, at codon 262 of the TPM1 protein (p.Ala262Thr). This variant has not been reported in the literature in individuals affected with TPM1-related conditions. In summary, the available evidence is currently insufficient to determine the role of this variant in disease. Therefore, it has been classified as a Variant of Uncertain Significance. Algorithms developed to predict the effect of missense changes on protein structure and function (SIFT, PolyPhen-2, Align-GVGD) all suggest that this variant is likely to be tolerated. ClinVar contains an entry for this variant (Variation ID: 454421).

GeneDx
Classification: Uncertain significance. Last evaluated: 2020-11-25. Review status: criteria provided, single submitter. Criteria: GeneDx Variant Classification Process June 2021. Collection method: clinical testing. Allele origin: germline. Affected: yes.
Comment: Has not been previously published as pathogenic or benign to our knowledge; Reported in ClinVar as a variant of uncertain significance (ClinVar Variant ID#454421; Landrum et al., 2016); Not observed at a significant frequency in large population cohorts (Lek et al., 2016); In silico analysis supports that this missense variant does not alter protein structure/function

NM_001018005.2(TPM1):c.784G>A (p.Ala262Thr)

Gene: TPM1 (tropomyosin 1; plus strand). Cytogenetic location: 15q22.2.
Variant type: single nucleotide variant.
Coding change: c.784G>A on transcript NM_001018005.2 (MANE Select); coding-DNA position 784, G replaced by A.
Protein change: p.Ala262Thr; replaces alanine 262 with threonine.
Molecular consequence: missense variant. On other transcripts: intron variant (12).
Genome position (GRCh38, 1-based): chr15:63,064,075, G>A. VCF-style: chr15-63064075-G-A. GRCh37 (hg19) VCF-style: chr15-63356274-G-A.
Other names: c.784G>A, p.Ala262Thr (NM_000366.6, NM_001301244.2, NM_001365779.1); c.676G>A, p.Ala226Thr (NM_001330346.2, NM_001365781.2, NM_001365782.1); c.898+1430G>A (NM_001365778.1); c.772+1430G>A (NM_001018020.2, NM_001018007.2, NM_001018006.2 and 3 more transcripts); c.664+1430G>A (NM_001330351.2, NM_001330344.2, NM_001018008.2 and 2 more transcripts); short protein forms A262T, A226T.
Identifiers: ClinVar variation 454421 (VCV000454421.12), dbSNP rs758506771, ClinGen allele CA032041.